The following is an entry in ClinVar:

ClinVar aggregate classification (germline): Uncertain significance. Review status: criteria provided, multiple submitters, no conflicts (2 of 4 stars). 3 submissions from 3 submitters: Uncertain significance (3). Last evaluated 2025-10-29.

Conditions:
Inborn genetic diseases. Identifiers: MedGen C0950123, MeSH D030342.

Allele frequency attached by ClinVar (database versions not stated): gnomAD exomes below 0.00001; TOPMed below 0.00001.
gnomAD v4.1: 1 of 1,613,914 alleles (0.000062%); highest among the groups gnomAD compares: Admixed American, 0.0017%; no homozygotes.

Submissions (3):

Ambry Genetics
Classification: Uncertain significance for Inborn genetic diseases. Last evaluated: 2025-10-29. Review status: criteria provided, single submitter. Criteria: Ambry Variant Classification Scheme 2023. Collection method: clinical testing. Allele origin: germline.

Labcorp Genetics (formerly Invitae), Labcorp
Classification: Uncertain significance. Last evaluated: 2024-05-15. Review status: criteria provided, single submitter. Criteria: Invitae Variant Classification Sherloc (09022015). Collection method: clinical testing. Allele origin: germline.
Comment: This sequence change replaces isoleucine, which is neutral and non-polar, with asparagine, which is neutral and polar, at codon 562 of the SCN3A protein (p.Ile562Asn). This variant is present in population databases (no rsID available, gnomAD 0.003%). This variant has not been reported in the literature in individuals affected with SCN3A-related conditions. ClinVar contains an entry for this variant (Variation ID: 2123966). Advanced modeling of protein sequence and biophysical properties (such as structural, functional, and spatial information, amino acid conservation, physicochemical variation, residue mobility, and thermodynamic stability) has been performed at Invitae for this missense variant, however the output from this modeling did not meet the statistical confidence thresholds required to predict the impact of this variant on SCN3A protein function. In summary, the available evidence is currently insufficient to determine the role of this variant in disease. Therefore, it has been classified as a Variant of Uncertain Significance.

GeneDx
Classification: Uncertain significance. Last evaluated: 2022-11-02. Review status: criteria provided, single submitter. Criteria: GeneDx Variant Classification Process June 2021. Collection method: clinical testing. Allele origin: germline. Affected: yes.
Comment: Not observed at significant frequency in large population cohorts (gnomAD); In silico analysis supports that this missense variant has a deleterious effect on protein structure/function; Has not been previously published as pathogenic or benign to our knowledge

NM_006922.4(SCN3A):c.1685T>A (p.Ile562Asn)

Gene: SCN3A (sodium voltage-gated channel alpha subunit 3; minus strand). Cytogenetic location: 2q24.3.
Variant type: single nucleotide variant.
Coding change: c.1685T>A on transcript NM_006922.4 (MANE Select); coding-DNA position 1685, T replaced by A.
Protein change: p.Ile562Asn; replaces isoleucine 562 with asparagine.
Molecular consequence: missense variant.
Genome position (GRCh38, 1-based): chr2:165,140,985, A>T on the plus strand (T>A on the coding strand, the complement: SCN3A is on the minus strand). VCF-style: chr2-165140985-A-T. GRCh37 (hg19) VCF-style: chr2-165997495-A-T.
Other names: c.1685T>A (NM_006922.3); c.1685T>A, p.Ile562Asn (NM_001081676.2, NM_001081677.2); short protein forms I562N.
Identifiers: ClinVar variation 2123966 (VCV002123966.6), dbSNP rs1398438143, ClinGen allele CA349047224.
Genomic context (GRCh38, chr2:165,140,985, plus strand): 5'-CCTCTGAAACTGAAAATGCTTGTTTTGCTATTGCGTCTTGGGGAAAACAGGGAGCCACGG[A>T]TACTCAAGAGAGACTGCAGAGAAAGCAAAAAGGAAAGGAATGGGATGGGGGTAGGGGAAG-3'
Protein context (NP_008853.3, residues 552-572): FCSPHQSLLS[Ile562Asn]RGSLFSPRRN